The following is an entry in ClinVar:

NM_198578.4(LRRK2):c.5554A>G (p.Ile1852Val)

Gene: LRRK2 (leucine rich repeat kinase 2; plus strand). Cytogenetic location: 12q12.
Variant type: single nucleotide variant.
Coding change: c.5554A>G on transcript NM_198578.4 (MANE Select); coding-DNA position 5554, A replaced by G.
Protein change: p.Ile1852Val; replaces isoleucine 1852 with valine.
Molecular consequence: missense variant.
Genome position (GRCh38, 1-based): chr12:40,323,204, A>G. VCF-style: chr12-40323204-A-G. GRCh37 (hg19) VCF-style: chr12-40717006-A-G.
Other names: short protein forms I1852V.
Identifiers: ClinVar variation 1407912 (VCV001407912.6), dbSNP rs147442556, ClinGen allele CA6514480.

ClinVar aggregate classification (germline): Uncertain significance (1 of 4 stars; one submission).

Conditions:
Autosomal dominant Parkinson disease 8. Also called: Parkinson disease 8; Parkinson disease 8, susceptibility to; LRRK2-Related Parkinson Disease. Identifiers: Orphanet 411602, MedGen C1846862, MONDO:0011764, OMIM 607060.

Allele frequency attached by ClinVar (database versions not stated): gnomAD 0.00002; gnomAD exomes 0.00003 and 0.00004; TOPMed 0.00003; ExAC 0.00006; ESP Exome Variant Server 0.00023.
gnomAD v4.1: 42 of 1,613,156 alleles (0.0026%); highest among the groups gnomAD compares: South Asian, 0.0055%; no homozygotes.

Submission:

Labcorp Genetics (formerly Invitae), Labcorp
Classification: Uncertain significance for Autosomal dominant Parkinson disease 8. Last evaluated: 2021-11-09. Review status: criteria provided, single submitter. Criteria: Invitae Variant Classification Sherloc (09022015). Collection method: clinical testing. Allele origin: germline.
Comment: This sequence change replaces isoleucine, which is neutral and non-polar, with valine, which is neutral and non-polar, at codon 1852 of the LRRK2 protein (p.Ile1852Val). This variant is present in population databases (rs147442556, gnomAD 0.007%). This variant has not been reported in the literature in individuals affected with LRRK2-related conditions. Algorithms developed to predict the effect of missense changes on protein structure and function (SIFT, PolyPhen-2, Align-GVGD) all suggest that this variant is likely to be tolerated. Algorithms developed to predict the effect of sequence changes on RNA splicing suggest that this variant may create or strengthen a splice site. In summary, the available evidence is currently insufficient to determine the role of this variant in disease. Therefore, it has been classified as a Variant of Uncertain Significance.